The following is an entry in ClinVar:

NM_004068.4(AP2M1):c.74+485G>T

Genes: AP2M1 (adaptor related protein complex 2 subunit mu 1; plus strand), LOC123453202 (Sharpr-MPRA regulatory region 464; plus strand). Cytogenetic location: 3q27.1.
Variant type: single nucleotide variant.
Coding change: c.74+485G>T on transcript NM_004068.4 (MANE Select); 485 bases into the intron after coding-DNA position 74, G replaced by T.
Molecular consequence: intron variant. On other transcripts: missense variant (1).
Genome position (GRCh38, 1-based): chr3:184,177,552, G>T. VCF-style: chr3-184177552-G-T. GRCh37 (hg19) VCF-style: chr3-183895340-G-T.
Other names: c.84G>T, p.Gln28His (NM_001311198.2); c.74+485G>T (NM_001025205.2); c.84G>T (NM_001311198.1); short protein forms Q28H.
Identifiers: ClinVar variation 2578954 (VCV002578954.26), dbSNP rs766817198, ClinGen allele CA2727629.

ClinVar aggregate classification (germline): Likely benign. Review status: criteria provided, single submitter (1 of 4 stars). 2 submissions from 2 submitters: Likely benign (1). 1 of the submissions does not count toward it. Last evaluated 2023-08-01.

Conditions:
AP2M1-related disorder. Also called: AP2M1-related condition.

Allele frequency attached by ClinVar (database versions not stated): TOPMed 0.00006; gnomAD 0.00007; ExAC 0.00008; gnomAD exomes 0.00011.
gnomAD v4.1: 170 of 1,535,820 alleles (0.011%); highest among the groups gnomAD compares: Non-Finnish European, 0.014%; no homozygotes.

Submissions (2):

CeGaT Center for Human Genetics Tuebingen
Classification: Likely benign. Last evaluated: 2023-08-01. Review status: criteria provided, single submitter. Criteria: CeGaT Center For Human Genetics Tuebingen Variant Classification Criteria Version 2. Collection method: clinical testing. Allele origin: germline. Affected: yes. Observed: 1 variant allele.
Comment: AP2M1: PP2, BP4, BS1

PreventionGenetics, part of Exact Sciences
Classification: Likely benign for AP2M1-related condition. Last evaluated: 2024-02-02. Review status: no assertion criteria provided. Collection method: clinical testing. Allele origin: germline. Not counted in ClinVar's aggregate classification.
Comment: This variant is classified as likely benign based on ACMG/AMP sequence variant interpretation guidelines (Richards et al. 2015 PMID: 25741868, with internal and published modifications).